The following is an entry in ClinVar:

ClinVar aggregate classification (germline): Uncertain significance. Review status: criteria provided, multiple submitters, no conflicts (2 of 4 stars). 2 submissions from 2 submitters: Uncertain significance (2). Last evaluated 2022-10-10.

Allele frequency attached by ClinVar (database versions not stated): gnomAD exomes below 0.00001; ExAC 0.00001; gnomAD 0.00001.
gnomAD v4.1: 3 of 1,604,652 alleles (0.00019%); highest among the groups gnomAD compares: Non-Finnish European, 0.00017%; no homozygotes.

Submissions (2):

Blueprint Genetics
Classification: Uncertain significance. Last evaluated: 2022-10-10. Review status: criteria provided, single submitter. Criteria: ACMG Guidelines, 2015. Collection method: clinical testing. Allele origin: germline.

Labcorp Genetics (formerly Invitae), Labcorp
Classification: Uncertain significance. Last evaluated: 2022-02-08. Review status: criteria provided, single submitter. Criteria: Invitae Variant Classification Sherloc (09022015). Collection method: clinical testing. Allele origin: germline.
Comment: Algorithms developed to predict the effect of sequence changes on RNA splicing suggest that this variant may create or strengthen a splice site. This sequence change replaces glycine, which is neutral and non-polar, with arginine, which is basic and polar, at codon 358 of the CEP78 protein (p.Gly358Arg). This variant is present in population databases (rs773930349, gnomAD 0.0009%). This variant has not been reported in the literature in individuals affected with CEP78-related conditions. ClinVar contains an entry for this variant (Variation ID: 1043217). Algorithms developed to predict the effect of missense changes on protein structure and function are either unavailable or do not agree on the potential impact of this missense change (SIFT: "Deleterious"; PolyPhen-2: "Probably Damaging"; Align-GVGD: "Class C0"). In summary, the available evidence is currently insufficient to determine the role of this variant in disease. Therefore, it has been classified as a Variant of Uncertain Significance.

NM_001330691.3(CEP78):c.1070-1G>A

Gene: CEP78 (centrosomal protein 78; plus strand). Cytogenetic location: 9q21.2.
Variant type: single nucleotide variant.
Coding change: c.1070-1G>A on transcript NM_001330691.3 (MANE Select); the canonical splice acceptor site of the intron before coding-DNA position 1070, G replaced by A.
Molecular consequence: splice acceptor variant. On other transcripts: missense variant (4).
Genome position (GRCh38, 1-based): chr9:78,251,907, G>A. VCF-style: chr9-78251907-G-A. GRCh37 (hg19) VCF-style: chr9-80866823-G-A.
Other names: c.1072G>A, p.Gly358Arg (NM_001098802.3, NM_001349839.2, NM_001349840.2 and 1 more transcripts); c.1070-1G>A (NM_001330693.3, NM_001349838.2, NM_001330694.2); short protein forms G358R.
Identifiers: ClinVar variation 1043217 (VCV001043217.10), dbSNP rs773930349, ClinGen allele CA5095137.